The following is an entry in ClinVar:

NM_005677.4(COLQ):c.154T>C (p.Cys52Arg)

Gene: COLQ (collagen like tail subunit of asymmetric acetylcholinesterase; minus strand). Cytogenetic location: 3p25.1.
Variant type: single nucleotide variant.
Coding change: c.154T>C on transcript NM_005677.4 (MANE Select); coding-DNA position 154, T replaced by C.
Protein change: p.Cys52Arg; replaces cysteine 52 with arginine.
Molecular consequence: missense variant.
Genome position (GRCh38, 1-based): chr3:15,489,590, A>G on the plus strand (T>C on the coding strand, the complement: COLQ is on the minus strand). VCF-style: chr3-15489590-A-G. GRCh37 (hg19) VCF-style: chr3-15531097-A-G.
Other names: c.124T>C, p.Cys42Arg (NM_080538.2); c.154T>C, p.Cys52Arg (NM_080539.4); short protein forms C42R, C52R.
Identifiers: ClinVar variation 947215 (VCV000947215.7), dbSNP rs2062629371, ClinGen allele CA351601527.
Genomic context (GRCh38, chr3:15,489,590, plus strand): 5'-TTCGGCCACCTCTGAAGAATGGTGGTGGGAACAGTGGTGGTGGAGGAGGCGTCAGCAGGC[A>G]GCATGCTTTGTGGCCACCACGCTTCTTCTGATCCAGGCTGGGAAGGGCTGTTCAGAGAAA-3'
Protein context (NP_005668.2, residues 42-62): QKKRGGHKAC[Cys52Arg]LLTPPPPPLF

ClinVar aggregate classification (germline): Uncertain significance. Review status: criteria provided, multiple submitters, no conflicts (2 of 4 stars). 2 submissions from 2 submitters: Uncertain significance (2). Last evaluated 2025-08-09.

Conditions:
Inborn genetic diseases. Identifiers: MedGen C0950123, MeSH D030342.
Congenital myasthenic syndrome 5. Identifiers: Orphanet 590, MedGen C1864233, MONDO:0011281, OMIM 603034.

Allele frequency attached by ClinVar (database versions not stated): gnomAD exomes 0.00001.
gnomAD v4.1: 5 of 1,614,200 alleles (0.00031%); highest among the groups gnomAD compares: East Asian, 0.011%; no homozygotes.

Submissions (2):

Ambry Genetics
Classification: Uncertain significance for Inborn genetic diseases. Last evaluated: 2025-08-09. Review status: criteria provided, single submitter. Criteria: Ambry Variant Classification Scheme 2023. Collection method: clinical testing. Allele origin: germline.

Labcorp Genetics (formerly Invitae), Labcorp
Classification: Uncertain significance for Congenital myasthenic syndrome 5. Last evaluated: 2022-09-01. Review status: criteria provided, single submitter. Criteria: Invitae Variant Classification Sherloc (09022015). Collection method: clinical testing. Allele origin: germline.
Comment: This sequence change replaces cysteine, which is neutral and slightly polar, with arginine, which is basic and polar, at codon 52 of the COLQ protein (p.Cys52Arg). Algorithms developed to predict the effect of missense changes on protein structure and function (SIFT, PolyPhen-2, Align-GVGD) all suggest that this variant is likely to be disruptive. This variant is not present in population databases (gnomAD no frequency). This variant has not been reported in the literature in individuals affected with COLQ-related conditions. ClinVar contains an entry for this variant (Variation ID: 947215). In summary, the available evidence is currently insufficient to determine the role of this variant in disease. Therefore, it has been classified as a Variant of Uncertain Significance.